The following is an entry in ClinVar:

ClinVar aggregate classification (germline): Likely benign (1 of 4 stars; one submission).

gnomAD v4.1: 1 of 1,612,988 alleles (0.000062%); no homozygotes.

Submission:

CeGaT Center for Human Genetics Tuebingen
Classification: Likely benign. Last evaluated: 2026-04-01. Review status: criteria provided, single submitter. Criteria: CeGaT Center For Human Genetics Tuebingen Variant Classification Criteria Version 2. Collection method: clinical testing. Allele origin: germline. Affected: yes. Observed: 1 variant allele.
Comment: TUBB2B: BP4, BP7

NM_178012.5(TUBB2B):c.339C>G (p.Val113=)

Gene: TUBB2B (tubulin beta 2B class IIb; minus strand). Cytogenetic location: 6p25.2.
Variant type: single nucleotide variant.
Coding change: c.339C>G on transcript NM_178012.5 (MANE Select); coding-DNA position 339, C replaced by G.
Protein change: p.Val113=; no amino-acid change (valine 113 retained).
Molecular consequence: synonymous variant.
Genome position (GRCh38, 1-based): chr6:3,225,750, G>C on the plus strand (C>G on the coding strand, the complement: TUBB2B is on the minus strand). VCF-style: chr6-3225750-G-C. GRCh37 (hg19) VCF-style: chr6-3225984-G-C.
Identifiers: ClinVar variation 4874051 (VCV004874051.2).